The following is an entry in ClinVar:

ClinVar aggregate classification (germline): Uncertain significance (1 of 4 stars; one submission).

Conditions:
Familial thoracic aortic aneurysm and aortic dissection (TAAD). Also called: Thoracic aortic aneurysms and dissections. Identifiers: Orphanet 91387, MedGen C4707243, MONDO:0019625.

gnomAD v4.1: 1 of 1,210,649 alleles (0.000083%); highest among the groups gnomAD compares: Non-Finnish European, 0.00011%; no homozygotes.

Submission:

Ambry Genetics
Classification: Uncertain significance for Familial thoracic aortic aneurysm and aortic dissection. Last evaluated: 2024-10-04. Review status: criteria provided, single submitter. Criteria: Ambry Variant Classification Scheme 2023. Collection method: clinical testing. Allele origin: germline.
Comment: The p.D891N variant (also known as c.2671G>A), located in coding exon 19 of the MED12 gene, results from a G to A substitution at nucleotide position 2671. The aspartic acid at codon 891 is replaced by asparagine, an amino acid with highly similar properties. This amino acid position is conserved. In addition, this alteration is predicted to be tolerated by in silico analysis. Based on the available evidence, the clinical significance of this variant remains unclear.

NM_005120.3(MED12):c.2671G>A (p.Asp891Asn)

Gene: MED12 (mediator complex subunit 12; plus strand). Cytogenetic location: Xq13.1.
Variant type: single nucleotide variant.
Coding change: c.2671G>A on transcript NM_005120.3 (MANE Select); coding-DNA position 2671, G replaced by A.
Protein change: p.Asp891Asn; replaces aspartic acid 891 with asparagine.
Molecular consequence: missense variant.
Genome position (GRCh38, 1-based): chrX:71,126,470, G>A. VCF-style: chrX-71126470-G-A. GRCh37 (hg19) VCF-style: chrX-70346320-G-A.
Other names: short protein forms D891N.
Identifiers: ClinVar variation 3394455 (VCV003394455.1).